The following is an entry in ClinVar:

NM_001267550.2(TTN):c.104657C>T (p.Ser34886Phe)

Genes: TTN (titin; minus strand), TTN-AS1 (TTN antisense RNA 1; plus strand). Cytogenetic location: 2q31.2.
Variant type: single nucleotide variant.
Coding change: c.104657C>T on transcript NM_001267550.2 (MANE Select); coding-DNA position 104657, C replaced by T.
Protein change: p.Ser34886Phe; replaces serine 34886 with phenylalanine.
Molecular consequence: missense variant.
Genome position (GRCh38, 1-based): chr2:178,531,958, G>A on the plus strand (C>T on the coding strand, the complement: TTN is on the minus strand). VCF-style: chr2-178531958-G-A. GRCh37 (hg19) VCF-style: chr2-179396685-G-A.
Other names: c.99734C>T, p.Ser33245Phe (NM_001256850.1); c.77462C>T, p.Ser25821Phe (NM_003319.4); c.96953C>T, p.Ser32318Phe (NM_133378.4); c.77837C>T, p.Ser25946Phe (NM_133432.3); c.78038C>T, p.Ser26013Phe (NM_133437.4); short protein forms S25946F, S26013F, S34886F, S25821F, S33245F, S32318F.
Identifiers: ClinVar variation 2040471 (VCV002040471.4), dbSNP rs1344210134, ClinGen allele CA349411205.

ClinVar aggregate classification (germline): Uncertain significance (1 of 4 stars; one submission).

Conditions:
Dilated cardiomyopathy 1G (CMD1G). Identifiers: Orphanet 154, MedGen C1858763, MONDO:0011400, OMIM 604145.
Autosomal recessive limb-girdle muscular dystrophy type 2J (LGMDR10). Also called: MUSCULAR DYSTROPHY, LIMB-GIRDLE, AUTOSOMAL RECESSIVE 10; Limb-girdle muscular dystrophy, type 2J. Identifiers: Orphanet 140922, MedGen C1837342, MONDO:0012127, OMIM 608807.

Allele frequency attached by ClinVar (database versions not stated): gnomAD exomes 0.00001.
gnomAD v4.1: 18 of 1,613,626 alleles (0.0011%); highest among the groups gnomAD compares: Non-Finnish European, 0.0015%; no homozygotes.

Submission:

Labcorp Genetics (formerly Invitae), Labcorp
Classification: Uncertain significance for Dilated cardiomyopathy 1G; Autosomal recessive limb-girdle muscular dystrophy type 2J. Last evaluated: 2023-09-29. Review status: criteria provided, single submitter. Criteria: Invitae Variant Classification Sherloc (09022015). Collection method: clinical testing. Allele origin: germline.
Comment: This sequence change replaces serine, which is neutral and polar, with phenylalanine, which is neutral and non-polar, at codon 34886 of the TTN protein (p.Ser34886Phe). The frequency data for this variant in the population databases is considered unreliable, as metrics indicate poor data quality at this position in the gnomAD database. This variant has not been reported in the literature in individuals affected with TTN-related conditions. ClinVar contains an entry for this variant (Variation ID: 2040471). Experimental studies and prediction algorithms are not available or were not evaluated, and the functional significance of this variant is currently unknown. This variant is located in the M band of TTN (PMID: 25589632). Variants in this region may be relevant for neuromuscular disorders, but have not been definitively shown to cause cardiomyopathy (PMID: 23975875). In summary, the available evidence is currently insufficient to determine the role of this variant in disease. Therefore, it has been classified as a Variant of Uncertain Significance.

Literature cited by the submitters: PubMed 25589632; PubMed 23975875.